The following is an entry in ClinVar:

ClinVar aggregate classification (germline): Likely benign (1 of 4 stars; one submission).

Allele frequency attached by ClinVar (database versions not stated): ExAC 0.04645.

Submission:

CeGaT Center for Human Genetics Tuebingen
Classification: Likely benign. Last evaluated: 2023-07-01. Review status: criteria provided, single submitter. Criteria: CeGaT Center For Human Genetics Tuebingen Variant Classification Criteria Version 2. Collection method: clinical testing. Allele origin: germline. Affected: yes. Observed: 1 variant allele.
Comment: OR10G4: BP4, BP7

NM_001004462.2(OR10G4):c.265A>C (p.Arg89=)

Gene: OR10G4 (olfactory receptor family 10 subfamily G member 4; plus strand). Cytogenetic location: 11q24.2.
Variant type: single nucleotide variant.
Coding change: c.265A>C on transcript NM_001004462.2 (MANE Select); coding-DNA position 265, A replaced by C.
Protein change: p.Arg89=; no amino-acid change (arginine 89 retained).
Molecular consequence: synonymous variant.
Genome position (GRCh38, 1-based): chr11:124,015,839, A>C. VCF-style: chr11-124015839-A-C. GRCh37 (hg19) VCF-style: chr11-123886546-A-C.
Identifiers: ClinVar variation 2642488 (VCV002642488.24), dbSNP rs199781271, ClinGen allele CA6336232.